The following is an entry in ClinVar:

ClinVar aggregate classification (germline): Likely pathogenic. Review status: criteria provided, multiple submitters, no conflicts (2 of 4 stars). 2 submissions from 2 submitters: Likely pathogenic (2). Last evaluated 2026-07-01.

Conditions:
Glycogen storage disease, type II (IOPD). Also called: CARDIOMEGALIA GLYCOGENICA DIFFUSA; Glycogen storage disease type 2; Acid maltase deficiency disease; Aglucosidase alfa; Deficiency of alpha-glucosidase; Deficiency of lysosomal alpha-glucosidase. Identifiers: Orphanet 365, MedGen C0017921, MONDO:0009290, OMIM 232300.

Submissions (2):

Genomenon, Inc
Classification: Likely pathogenic for Glycogen storage disease, type II. Last evaluated: 2026-07-01. Review status: criteria provided, single submitter. Criteria: Genomenon Sequence Variant Interpretation Standards - Updated. Collection method: curation. Allele origin: germline. Affected: no.
Comment: GAA p.Arg224Pro (c.671G>C) is a missense variant that changes the amino acid at codon 224 from Arginine to Proline. This variant has been reported in the published literature (PMID:22644586;20080426). At least one functional study has demonstrated a substantial alteration in protein function relative to the wild-type (PMID:22644586). The presence of pathogenic/likely pathogenic missense variant(s) at the same amino acid position indicates that this residue is likely important for protein function. It is absent or not present at a significant frequency in gnomAD. In silico models predict that this variant is possibly or probably damaging. In conclusion, we classify GAA p.Arg224Pro (c.671G>C) as a likely pathogenic variant.

Broad Center for Mendelian Genomics, Broad Institute of MIT and Harvard
Classification: Likely pathogenic for Glycogen storage disease, type II. Last evaluated: 2020-01-22. Review status: criteria provided, single submitter. Criteria: ACMG Guidelines, 2015. Collection method: curation. Allele origin: germline. Inheritance: Autosomal recessive inheritance.
Comment: The p.Arg224Pro variant in GAA has been reported in two Taiwanese individuals with glycogen storage disease II (PMID: 20080426), and has been identified in 0.005% (1/18366) of East Asian chromosomes by the Genome Aggregation Database (gnomAD; dbSNP rs200210219). Although this variant has been seen in the general population, its frequency is low enough to be consistent with a recessive carrier frequency. In vitro functional studies with COS cells transfected with the variant provide some evidence that the p.Arg224Pro variant may impact protein function (PMID: 22644586, 20080426). However, these types of assays may not accurately represent biological function. Computational prediction tools and conservation analyses suggest that this variant may impact the protein, though this information is not predictive enough to determine pathogenicity. One additional pathogenic variant, resulting in a different amino acid change at the same position, p.Arg224Gln, has been reported in association with disease in the literature, supporting that a change at this position may not be tolerated (PMID: 22644586, 23147228, 23000108). In summary, although additional studies are required to fully establish its clinical significance, this variant is likely pathogenic. ACMG/AMP Criteria applied: PS3, PM2, PM5, PP3 (Richards 2015).

Literature cited by the submitters: PubMed 22644586 (cited by Genomenon, Inc and Broad Center for Mendelian Genomics, Broad Institute of MIT and Harvard); PubMed 20080426 (cited by Genomenon, Inc and Broad Center for Mendelian Genomics, Broad Institute of MIT and Harvard).

NM_000152.5(GAA):c.671G>C (p.Arg224Pro)

Gene: GAA (alpha glucosidase; plus strand). Cytogenetic location: 17q25.3.
Variant type: single nucleotide variant.
Coding change: c.671G>C on transcript NM_000152.5 (MANE Select); coding-DNA position 671, G replaced by C.
Protein change: p.Arg224Pro; replaces arginine 224 with proline.
Molecular consequence: missense variant.
Genome position (GRCh38, 1-based): chr17:80,105,873, G>C. VCF-style: chr17-80105873-G-C. GRCh37 (hg19) VCF-style: chr17-78079672-G-C.
Other names: c.671G>C, p.Arg224Pro (NM_001079803.3, NM_001079804.3); short protein forms R224P.
Identifiers: ClinVar variation 972794 (VCV000972794.3), dbSNP rs200210219, ClinGen allele CA401362527.